The following is an entry in ClinVar:

ClinVar aggregate classification (germline): Uncertain significance (1 of 4 stars; one submission).

Conditions:
Hereditary cancer-predisposing syndrome. Also called: Neoplastic Syndromes, Hereditary; Hereditary Cancer Syndrome; Tumor predisposition; Hereditary neoplastic syndrome. Identifiers: Orphanet 140162, MedGen C0027672, MeSH D009386, MONDO:0015356.

Allele frequency attached by ClinVar (database versions not stated): gnomAD exomes below 0.00001; gnomAD 0.00001.
gnomAD v4.1: 3 of 1,613,746 alleles (0.00019%); highest among the groups gnomAD compares: Non-Finnish European, 0.00025%; no homozygotes.

Submission:

Ambry Genetics
Classification: Uncertain significance for Hereditary cancer-predisposing syndrome. Last evaluated: 2023-01-18. Review status: criteria provided, single submitter. Criteria: Ambry Variant Classification Scheme 2023. Collection method: clinical testing. Allele origin: germline.
Comment: The p.A39T variant (also known as c.115G>A), located in coding exon 1 of the GREM1 gene, results from a G to A substitution at nucleotide position 115. The alanine at codon 39 is replaced by threonine, an amino acid with similar properties. This amino acid position is conserved. In addition, this alteration is predicted to be tolerated by in silico analysis. Since supporting evidence is limited at this time, the clinical significance of this alteration remains unclear.

NM_013372.7(GREM1):c.115G>A (p.Ala39Thr)

Gene: GREM1 (gremlin 1, DAN family BMP antagonist; plus strand). Cytogenetic location: 15q13.3.
Variant type: single nucleotide variant.
Coding change: c.115G>A on transcript NM_013372.7 (MANE Select); coding-DNA position 115, G replaced by A.
Protein change: p.Ala39Thr; replaces alanine 39 with threonine.
Molecular consequence: missense variant. On other transcripts: splice donor variant (1), intron variant (1).
Genome position (GRCh38, 1-based): chr15:32,730,805, G>A. VCF-style: chr15-32730805-G-A. GRCh37 (hg19) VCF-style: chr15-33023006-G-A.
Other names: c.115G>A, p.Ala39Thr (NM_001368719.1); c.114+1G>A (NM_001191323.2); c.27+88G>A (NM_001191322.2); short protein forms A39T.
Identifiers: ClinVar variation 2447146 (VCV002447146.2), dbSNP rs2055602701, ClinGen allele CA391557215.